The following is an entry in ClinVar:

NM_005359.6(SMAD4):c.279G>C (p.Val93=)

Gene: SMAD4 (SMAD family member 4; plus strand). Cytogenetic location: 18q21.2.
Variant type: single nucleotide variant.
Coding change: c.279G>C on transcript NM_005359.6 (MANE Select); coding-DNA position 279, G replaced by C.
Protein change: p.Val93=; no amino-acid change (valine 93 retained).
Molecular consequence: synonymous variant.
Genome position (GRCh38, 1-based): chr18:51,048,715, G>C. VCF-style: chr18-51048715-G-C. GRCh37 (hg19) VCF-style: chr18-48575085-G-C.
Identifiers: ClinVar variation 633419 (VCV000633419.11), dbSNP rs1568203425, ClinGen allele CA503873555.
Genomic context (GRCh38, chr18:51,048,715, plus strand): 5'-CACATGAATAAATGGTCGTTTATTTTTCTAGGTGGCTGGTCGGAAAGGATTTCCTCATGT[G>C]ATCTATGCCCGTCTCTGGAGGTGGCCTGATCTTCACAAAAATGAACTAAAACATGTTAAA-3'
Protein context (NP_005350.1, residues 83-103): QVAGRKGFPH[Val93=]IYARLWRWPD

ClinVar aggregate classification (germline): Benign/Likely benign. Review status: criteria provided, multiple submitters, no conflicts (2 of 4 stars). 4 submissions from 4 submitters: Benign (1); Likely benign (3). Last evaluated 2025-03-18.

Conditions:
Hereditary cancer-predisposing syndrome. Also called: Hereditary neoplastic syndrome; Neoplastic Syndromes, Hereditary; Tumor predisposition; Hereditary Cancer Syndrome. Identifiers: Orphanet 140162, MedGen C0027672, MeSH D009386, MONDO:0015356.
Familial thoracic aortic aneurysm and aortic dissection (TAAD). Also called: Thoracic aortic aneurysms and dissections. Identifiers: Orphanet 91387, MedGen C4707243, MONDO:0019625.
Juvenile polyposis syndrome (JPS). Identifiers: Orphanet 2929, MedGen C0345893, MONDO:0017380, OMIM 174900.
Juvenile polyposis/hereditary hemorrhagic telangiectasia syndrome (JPHT). Also called: Juvenile Polyposis Syndrome / Hereditary Hemorrhagic Telangiectasia (JPS/HHT); JP/HHT SYNDROME; JUVENILE POLYPOSIS WITH HEREDITARY HEMORRHAGIC TELANGIECTASIA; POLYPOSIS, GENERALIZED JUVENILE, WITH PULMONARY ARTERIOVENOUS MALFORMATION; TELANGIECTASIA, HEREDITARY HEMORRHAGIC, WITH JUVENILE POLYPOSIS COLI. Identifiers: Orphanet 2929, MedGen C1832942, MONDO:0008278, OMIM 175050.

Submissions (4):

Myriad Genetics, Inc.
Classification: Benign for Juvenile polyposis/hereditary hemorrhagic telangiectasia syndrome. Last evaluated: 2025-03-18. Review status: criteria provided, single submitter. Criteria: Myriad Autosomal Dominant, Autosomal Recessive and X-Linked Classification Criteria (2023). Collection method: clinical testing. Allele origin: unknown.
Comment: This variant is considered benign. This variant is a silent/synonymous amino acid change, and it is not expected to impact splicing.

Labcorp Genetics (formerly Invitae), Labcorp
Classification: Likely benign for Juvenile polyposis syndrome. Last evaluated: 2024-05-15. Review status: criteria provided, single submitter. Criteria: Invitae Variant Classification Sherloc (09022015). Collection method: clinical testing. Allele origin: germline.

Ambry Genetics
Classification: Likely benign for Hereditary cancer-predisposing syndrome; Familial thoracic aortic aneurysm and aortic dissection. Last evaluated: 2023-09-05. Review status: criteria provided, single submitter. Criteria: Ambry Variant Classification Scheme 2023. Collection method: clinical testing. Allele origin: germline.

Women's Health and Genetics/Laboratory Corporation of America, LabCorp
Classification: Likely benign. Last evaluated: 2019-08-29. Review status: criteria provided, single submitter. Criteria: LabCorp Variant Classification Summary - May 2015. Collection method: clinical testing. Allele origin: germline.